The following is an entry in ClinVar:

ClinVar aggregate classification (germline): Uncertain significance (1 of 4 stars; one submission).

Allele frequency attached by ClinVar (database versions not stated): gnomAD exomes below 0.00001.
gnomAD v4.1: 2 of 1,614,128 alleles (0.00012%); highest among the groups gnomAD compares: Non-Finnish European, 0.00017%; no homozygotes.

Submission:

Ambry Genetics
Classification: Uncertain significance. Last evaluated: 2025-10-08. Review status: criteria provided, single submitter. Criteria: Ambry Variant Classification Scheme 2023. Collection method: clinical testing. Allele origin: germline.
Comment: The p.P1030T variant (also known as c.3088C>A), located in coding exon 27 of the KIF1B gene, results from a C to A substitution at nucleotide position 3088. The proline at codon 1030 is replaced by threonine, an amino acid with highly similar properties. This amino acid position is well conserved in available vertebrate species. In addition, this alteration is predicted to be tolerated by in silico analysis. The evidence for this gene-disease relationship is limited; therefore, the clinical significance of this alteration is unclear.

NM_001365951.3(KIF1B):c.3226C>A (p.Pro1076Thr)

Gene: KIF1B (kinesin family member 1B; plus strand). Cytogenetic location: 1p36.22.
Variant type: single nucleotide variant.
Coding change: c.3226C>A on transcript NM_001365951.3 (MANE Select); coding-DNA position 3226, C replaced by A.
Protein change: p.Pro1076Thr; replaces proline 1076 with threonine.
Molecular consequence: missense variant.
Genome position (GRCh38, 1-based): chr1:10,337,170, C>A. VCF-style: chr1-10337170-C-A. GRCh37 (hg19) VCF-style: chr1-10397228-C-A.
Other names: c.3226C>A, p.Pro1076Thr (NM_001365952.1); c.3088C>A, p.Pro1030Thr (NM_015074.3); short protein forms P1076T, P1030T.
Identifiers: ClinVar variation 2625043 (VCV002625043.3), dbSNP rs1189344631, ClinGen allele CA338339989.